The following is an entry in ClinVar:

NM_031885.5(BBS2):c.1932T>G (p.Tyr644Ter)

Gene: BBS2 (Bardet-Biedl syndrome 2; minus strand). Cytogenetic location: 16q13.
Variant type: single nucleotide variant.
Coding change: c.1932T>G on transcript NM_031885.5 (MANE Select); coding-DNA position 1932, T replaced by G.
Protein change: p.Tyr644Ter; replaces tyrosine 644 with a stop codon.
Molecular consequence: nonsense. On other transcripts: non-coding transcript variant (5).
Genome position (GRCh38, 1-based): chr16:56,485,717, A>C on the plus strand (T>G on the coding strand, the complement: BBS2 is on the minus strand). VCF-style: chr16-56485717-A-C. GRCh37 (hg19) VCF-style: chr16-56519629-A-C.
Other names: c.1932T>G, p.Tyr644Ter (NM_001377456.1); c.1932T>G (NM_031885.3); short protein forms Y644*.
Identifiers: ClinVar variation 1400662 (VCV001400662.9), dbSNP rs1044072013, ClinGen allele CA395973664.

ClinVar aggregate classification (germline): Pathogenic/Likely pathogenic. Review status: criteria provided, multiple submitters, no conflicts (2 of 4 stars). 2 submissions from 2 submitters: Pathogenic (1); Likely pathogenic (1). Last evaluated 2025-03-20.

Conditions:
Bardet-Biedl syndrome (BBS). Identifiers: Orphanet 110, MedGen C0752166, MONDO:0015229.
Bardet-Biedl syndrome 2 (BBS2). Identifiers: Orphanet 110, MedGen C2936863, MONDO:0014432, OMIM 615981.

Submissions (2):

Natera, Inc.
Classification: Likely pathogenic for Bardet-Biedl syndrome type 2. Last evaluated: 2025-03-20. Review status: criteria provided, single submitter. Criteria: Natera Variant Classification Schema (03/2026). Collection method: clinical testing. Allele origin: germline.
Comment: The c.1932T>G variant in BBS2 is a nonsense variant predicted to introduce a stop codon at amino acid 644. This variant is expected to result in nonsense mediated decay, truncation, or a dysfunctional protein product. This variant is rare in the general population with a frequency below the threshold expected for the associated phenotype(s). Given the available evidence, this variant is classified as Likely Pathogenic.

Labcorp Genetics (formerly Invitae), Labcorp
Classification: Pathogenic for Bardet-Biedl syndrome. Last evaluated: 2022-10-31. Review status: criteria provided, single submitter. Criteria: Invitae Variant Classification Sherloc (09022015). Collection method: clinical testing. Allele origin: germline.
Comment: This sequence change creates a premature translational stop signal (p.Tyr644*) in the BBS2 gene. It is expected to result in an absent or disrupted protein product. Loss-of-function variants in BBS2 are known to be pathogenic (PMID: 11285252, 20177705, 24608809, 26518167). This variant is not present in population databases (gnomAD no frequency). This premature translational stop signal has been observed in individual(s) with clinical features of Bardet-Biedl syndrome (PMID: 26078953, 28800606). This variant is also known as p.Y644X. ClinVar contains an entry for this variant (Variation ID: 1400662). For these reasons, this variant has been classified as Pathogenic.

Literature cited by the submitters: PubMed 11285252 (cited by Labcorp Genetics (formerly Invitae), Labcorp); PubMed 20177705 (cited by Labcorp Genetics (formerly Invitae), Labcorp); PubMed 24608809 (cited by Labcorp Genetics (formerly Invitae), Labcorp); PubMed 26518167 (cited by Labcorp Genetics (formerly Invitae), Labcorp); PubMed 26078953 (cited by Labcorp Genetics (formerly Invitae), Labcorp); PubMed 28800606 (cited by Labcorp Genetics (formerly Invitae), Labcorp).